The following is an entry in ClinVar:

ClinVar aggregate classification (germline): Uncertain significance. Review status: criteria provided, multiple submitters, no conflicts (2 of 4 stars). 2 submissions from 2 submitters: Uncertain significance (2). Last evaluated 2024-11-21.

Conditions:
Hereditary cancer-predisposing syndrome. Also called: Tumor predisposition; Neoplastic Syndromes, Hereditary; Hereditary Cancer Syndrome; Hereditary neoplastic syndrome. Identifiers: Orphanet 140162, MedGen C0027672, MeSH D009386, MONDO:0015356.
Gorlin syndrome. Also called: Nevoid Basal Cell Carcinoma Syndrome; Basal cell nevus syndrome. Identifiers: Orphanet 377, MedGen C0004779, MONDO:0007187.

Submissions (2):

Labcorp Genetics (formerly Invitae), Labcorp
Classification: Uncertain significance for Gorlin syndrome. Last evaluated: 2024-11-21. Review status: criteria provided, single submitter. Criteria: Invitae Variant Classification Sherloc (09022015). Collection method: clinical testing. Allele origin: germline.
Comment: This sequence change replaces cysteine, which is neutral and slightly polar, with tyrosine, which is neutral and polar, at codon 699 of the PTCH1 protein (p.Cys699Tyr). This variant is not present in population databases (gnomAD no frequency). This variant has not been reported in the literature in individuals affected with PTCH1-related conditions. ClinVar contains an entry for this variant (Variation ID: 2624554). Invitae Evidence Modeling of protein sequence and biophysical properties (such as structural, functional, and spatial information, amino acid conservation, physicochemical variation, residue mobility, and thermodynamic stability) indicates that this missense variant is not expected to disrupt PTCH1 protein function with a negative predictive value of 95%. In summary, the available evidence is currently insufficient to determine the role of this variant in disease. Therefore, it has been classified as a Variant of Uncertain Significance.

Ambry Genetics
Classification: Uncertain significance for Hereditary cancer-predisposing syndrome. Last evaluated: 2023-06-29. Review status: criteria provided, single submitter. Criteria: Ambry Variant Classification Scheme 2023. Collection method: clinical testing. Allele origin: germline.
Comment: The p.C699Y variant (also known as c.2096G>A), located in coding exon 14 of the PTCH1 gene, results from a G to A substitution at nucleotide position 2096. The cysteine at codon 699 is replaced by tyrosine, an amino acid with highly dissimilar properties. This amino acid position is well conserved in available vertebrate species. In addition, the in silico prediction for this alteration is inconclusive. Since supporting evidence is limited at this time, the clinical significance of this alteration remains unclear.

NM_000264.5(PTCH1):c.2096G>A (p.Cys699Tyr)

Genes: PTCH1 (patched 1; minus strand), LOC100507346 (uncharacterized LOC100507346; plus strand). Cytogenetic location: 9q22.32.
Variant type: single nucleotide variant.
Coding change: c.2096G>A on transcript NM_000264.5 (MANE Select); coding-DNA position 2096, G replaced by A.
Protein change: p.Cys699Tyr; replaces cysteine 699 with tyrosine.
Molecular consequence: missense variant. On other transcripts: non-coding transcript variant (2).
Genome position (GRCh38, 1-based): chr9:95,468,905, C>T on the plus strand (G>A on the coding strand, the complement: PTCH1 is on the minus strand). VCF-style: chr9-95468905-C-T. GRCh37 (hg19) VCF-style: chr9-98231187-C-T.
Other names: c.1898G>A, p.Cys633Tyr (NM_001083602.3); c.2093G>A, p.Cys698Tyr (NM_001083603.3); c.1643G>A, p.Cys548Tyr (NM_001083604.3, NM_001083605.3, NM_001083606.3 and 1 more transcripts); c.1940G>A, p.Cys647Tyr (NM_001354918.2); short protein forms C698Y, C548Y, C633Y, C647Y, C699Y.
Identifiers: ClinVar variation 2624554 (VCV002624554.4), dbSNP rs547829353, ClinGen allele CA374115668.